The following is an entry in ClinVar:

ClinVar aggregate classification (germline): Benign/Likely benign. Review status: criteria provided, multiple submitters, no conflicts (2 of 4 stars). 7 submissions from 7 submitters: Benign (3); Likely benign (1). 3 of the submissions do not count toward it. Last evaluated 2026-01-31.

Conditions:
Progressive familial intrahepatic cholestasis type 2. Identifiers: Orphanet 79304, MedGen C3489789, MONDO:0011156, OMIM 601847.

Allele frequency attached by ClinVar (database versions not stated): ExAC 0.00202; 1000 Genomes Project 0.00559; 1000 Genomes Project 30x 0.00578; gnomAD 0.00643; ESP Exome Variant Server 0.00658; TOPMed 0.00662.
gnomAD v4.1: 1,923 of 1,610,628 alleles (0.12%); highest among the groups gnomAD compares: African/African-American, 2%; 21 homozygotes.

Submissions (7):

Labcorp Genetics (formerly Invitae), Labcorp
Classification: Benign. Last evaluated: 2026-01-31. Review status: criteria provided, single submitter. Criteria: Invitae Variant Classification Sherloc (09022015). Collection method: clinical testing. Allele origin: germline.

Mayo Clinic Laboratories, Mayo Clinic
Classification: Benign. Last evaluated: 2022-05-10. Review status: criteria provided, single submitter. Criteria: ACMG Guidelines, 2015. Collection method: clinical testing. Allele origin: germline. Observed: 7 variant alleles.
Comment: BA1, BP4, BP7

Illumina Laboratory Services, Illumina
Classification: Benign for Progressive familial intrahepatic cholestasis type 2. Last evaluated: 2018-01-12. Review status: criteria provided, single submitter. Criteria: ICSL Variant Classification Criteria 13 December 2019. Collection method: clinical testing. Allele origin: germline.
Comment: This variant was observed in the ICSL laboratory as part of a predisposition screen in an ostensibly healthy population. It had not been previously curated by ICSL or reported in the Human Gene Mutation Database (HGMD: prior to June 1st, 2018), and was therefore a candidate for classification through an automated scoring system. Utilizing variant allele frequency, disease prevalence and penetrance estimates, and inheritance mode, an automated score was calculated to assess if this variant is too frequent to cause the disease. Based on the score and internal cut-off values, a variant classified as benign is not then subjected to further curation. The score for this variant resulted in a classification of benign for this disease.

GeneDx
Classification: Likely benign. Last evaluated: 2017-05-11. Review status: criteria provided, single submitter. Criteria: GeneDx Variant Classification (06012015). Collection method: clinical testing. Allele origin: germline. Affected: yes.
Comment: This variant is considered likely benign or benign based on one or more of the following criteria: it is a conservative change, it occurs at a poorly conserved position in the protein, it is predicted to be benign by multiple in silico algorithms, and/or has population frequency not consistent with disease.

Natera, Inc.
Classification: Benign for Progressive familial intrahepatic cholestasis type 2. Last evaluated: 2019-10-18. Review status: no assertion criteria provided. Collection method: clinical testing. Allele origin: germline. Not counted in ClinVar's aggregate classification.

Genome Diagnostics Laboratory, Amsterdam University Medical Center
Classification: Benign. Review status: no assertion criteria provided. Collection method: clinical testing. Allele origin: germline. Affected: yes. Study: VKGL Data-share Consensus. Not counted in ClinVar's aggregate classification.

Genome Diagnostics Laboratory, University Medical Center Utrecht
Classification: Likely benign. Review status: no assertion criteria provided. Collection method: clinical testing. Allele origin: germline. Affected: yes. Study: VKGL Data-share Consensus. Not counted in ClinVar's aggregate classification.

NM_003742.4(ABCB11):c.3330G>A (p.Ala1110=)

Gene: ABCB11 (ATP binding cassette subfamily B member 11; minus strand). Cytogenetic location: 2q31.1.
Variant type: single nucleotide variant.
Coding change: c.3330G>A on transcript NM_003742.4 (MANE Select); coding-DNA position 3330, G replaced by A.
Protein change: p.Ala1110=; no amino-acid change (alanine 1110 retained).
Molecular consequence: synonymous variant.
Genome position (GRCh38, 1-based): chr2:168,930,746, C>T on the plus strand (G>A on the coding strand, the complement: ABCB11 is on the minus strand). VCF-style: chr2-168930746-C-T. GRCh37 (hg19) VCF-style: chr2-169787256-C-T.
Other names: p.Ala1110=; c.3330G>A, p.Ala1110= (LRG_1199t1).
Identifiers: ClinVar variation 332020 (VCV000332020.21), dbSNP rs113099601, ClinGen allele CA1951049.